The following is an entry in ClinVar:

NM_006088.6(TUBB4B):c.1243A>G (p.Met415Val)

Gene: TUBB4B (tubulin beta 4B class IVb; plus strand). Cytogenetic location: 9q34.3.
Variant type: single nucleotide variant.
Coding change: c.1243A>G on transcript NM_006088.6 (MANE Select); coding-DNA position 1243, A replaced by G.
Protein change: p.Met415Val; replaces methionine 415 with valine.
Molecular consequence: missense variant.
Genome position (GRCh38, 1-based): chr9:137,243,461, A>G. VCF-style: chr9-137243461-A-G. GRCh37 (hg19) VCF-style: chr9-140137913-A-G.
Other names: short protein forms M415V.
Identifiers: ClinVar variation 4083449 (VCV004083449.1).
Genomic context (GRCh38, chr9:137,243,461, plus strand): 5'-CTGCACTGGTACACGGGCGAGGGCATGGACGAGATGGAGTTCACCGAGGCCGAGAGCAAC[A>G]TGAATGACCTGGTGTCCGAGTACCAGCAGTACCAGGATGCCACAGCCGAGGAGGAGGGCG-3'
Protein context (NP_006079.1, residues 405-425): EMEFTEAESN[Met415Val]NDLVSEYQQY

ClinVar aggregate classification (germline): Uncertain significance (1 of 4 stars; one submission).

Submission:

GeneDx
Classification: Uncertain significance. Last evaluated: 2025-03-13. Review status: criteria provided, single submitter. Criteria: GeneDx Variant Classification Process June 2021. Collection method: clinical testing. Allele origin: germline. Affected: yes.
Comment: Not observed at significant frequency in large population cohorts (gnomAD); In silico analysis indicates that this missense variant does not alter protein structure/function; Has not been previously published as pathogenic or benign to our knowledge